The following is an entry in ClinVar:

NM_001374623.1(PNPLA1):c.614C>T (p.Pro205Leu)

Gene: PNPLA1 (patatin like phospholipase domain containing 1; plus strand). Cytogenetic location: 6p21.31.
Variant type: single nucleotide variant.
Coding change: c.614C>T on transcript NM_001374623.1 (MANE Select); coding-DNA position 614, C replaced by T.
Protein change: p.Pro205Leu; replaces proline 205 with leucine.
Molecular consequence: missense variant.
Genome position (GRCh38, 1-based): chr6:36,294,299, C>T. VCF-style: chr6-36294299-C-T. GRCh37 (hg19) VCF-style: chr6-36262076-C-T.
Other names: c.614C>T, p.Pro205Leu (NM_001145717.1); c.356C>T, p.Pro119Leu (NM_001145716.2); c.329C>T, p.Pro110Leu (NM_173676.2); short protein forms P110L, P205L, P119L.
Identifiers: ClinVar variation 633798 (VCV000633798.2), dbSNP rs766215523, ClinGen allele CA3777782.
Genomic context (GRCh38, chr6:36,294,299, plus strand): 5'-CCGACGCCATCACCATCTCCACCTTCAGTGGGCAGCAGGACATCTGTCCCCGGGACTGCC[C>T]GGCCATCTTCCACGACTTCCGCATGTTCAACTGCTCCTTCCAGTTCTCCCTGGAGAACAT-3'
Protein context (NP_001361552.1, residues 195-215): GQQDICPRDC[Pro205Leu]AIFHDFRMFN

ClinVar aggregate classification (germline): Conflicting classifications of pathogenicity. Review status: criteria provided, conflicting classifications (1 of 4 stars). 2 submissions from 2 submitters: Likely pathogenic (1); Uncertain significance (1). Last evaluated 2024-08-07.

Conditions:
Autosomal recessive congenital ichthyosis 10 (ARCI10). Identifiers: Orphanet 79394, MedGen C3554355, MONDO:0014011, OMIM 615024.

Allele frequency attached by ClinVar (database versions not stated): gnomAD 0.00001; gnomAD exomes 0.00001; TOPMed 0.00001; ExAC 0.00002.
gnomAD v4.1: 9 of 1,614,100 alleles (0.00056%); highest among the groups gnomAD compares: East Asian, 0.0022%; no homozygotes.

Submissions (2):

Women's Health and Genetics/Laboratory Corporation of America, LabCorp
Classification: Uncertain significance. Last evaluated: 2024-08-07. Review status: criteria provided, single submitter. Criteria: LabCorp Variant Classification Summary - May 2015. Collection method: clinical testing. Allele origin: germline.
Comment: Variant summary: PNPLA1 c.614C>T (p.Pro205Leu) results in a non-conservative amino acid change in the encoded protein sequence. Four of five in-silico tools predict a damaging effect of the variant on protein function. The variant allele was found at a frequency of 1.2e-05 in 251434 control chromosomes. c.614C>T has been reported in the literature in at-least one individual affected with Autosomal recessive congenital ichthyosis (example: Youssefian_2018). These data indicate that the variant may be associated with disease. To our knowledge, no experimental evidence demonstrating an impact on protein function has been reported. The following publication havs been ascertained in the context of this evaluation (PMID: 30578701). ClinVar contains an entry for this variant (Variation ID: 633798). Based on the evidence outlined above, the variant was classified as VUS-possibly pathogenic.

Uitto Lab, Thomas Jefferson University
Classification: Likely pathogenic for Autosomal recessive congenital ichthyosis 10. Last evaluated: 2018-06-08. Review status: criteria provided, single submitter. Criteria: ACMG Guidelines, 2015. Collection method: clinical testing. Allele origin: germline. Affected: yes. Study: Rare heritable connective tissue and skin disorders in Iranian cohort.

Literature cited by the submitters: PubMed 30578701 (cited by Women's Health and Genetics/Laboratory Corporation of America, LabCorp).